The following is an entry in ClinVar:

NM_000018.4(ACADVL):c.950T>C (p.Val317Ala)

Gene: ACADVL (acyl-CoA dehydrogenase very long chain; plus strand). Cytogenetic location: 17p13.1.
Variant type: single nucleotide variant.
Coding change: c.950T>C on transcript NM_000018.4 (MANE Select); coding-DNA position 950, T replaced by C.
Protein change: p.Val317Ala; replaces valine 317 with alanine.
Molecular consequence: missense variant.
Genome position (GRCh38, 1-based): chr17:7,222,738, T>C. VCF-style: chr17-7222738-T-C. GRCh37 (hg19) VCF-style: chr17-7126057-T-C.
Other names: c.884T>C, p.Val295Ala (NM_001033859.3); c.1019T>C, p.Val340Ala (NM_001270447.2); c.722T>C, p.Val241Ala (NM_001270448.2); c.950T>C (NM_000018.2); short protein forms V317A, V241A, V340A, V295A.
Identifiers: ClinVar variation 92293 (VCV000092293.28), dbSNP rs398123095, ClinGen allele CA220225.

ClinVar aggregate classification (germline): Uncertain significance. Review status: criteria provided, multiple submitters, no conflicts (2 of 4 stars). 8 submissions from 8 submitters: Uncertain significance (7). 1 of the submissions does not count toward it. Last evaluated 2026-09-01.

Conditions:
Very long chain acyl-CoA dehydrogenase deficiency (ACADVLD). Also called: VLCAD Deficiency; Very Long-Chain Acyl-Coenzyme A Dehydrogenase Deficiency. Identifiers: Orphanet 26793, MedGen C3887523, MONDO:0008723, OMIM 201475.

Allele frequency attached by ClinVar (database versions not stated): gnomAD exomes below 0.00001 and 0.00003; gnomAD 0.00001; TOPMed 0.00001.
gnomAD v4.1: 50 of 1,613,880 alleles (0.0031%); highest among the groups gnomAD compares: Non-Finnish European, 0.0042%; no homozygotes.

Submissions (8):

GeneDx
Classification: Uncertain significance. Last evaluated: 2026-09-01. Review status: criteria provided, single submitter. Criteria: GeneDx Variant Classification Process June 2021. Collection method: clinical testing. Allele origin: germline.
Comment: Not observed at significant frequency in large population cohorts (gnomAD); In silico analysis supports that this missense variant has a deleterious effect on protein structure/function; This variant is associated with the following publications: (PMID: 27246109, 27209629, 32778825, 8845838, 40215729, 40149952)

ARUP Laboratories, Molecular Genetics and Genomics, ARUP Laboratories
Classification: Uncertain significance for Very long chain acyl-CoA dehydrogenase deficiency. Last evaluated: 2025-07-09. Review status: criteria provided, single submitter. Criteria: ARUP Molecular Germline Variant Investigation Process 2024. Collection method: clinical testing. Allele origin: germline.
Comment: The ACADVL c.950T>C; p.Val317Ala variant (rs398123095), also known as Val277Ala, has been reported multiple unrelated individuals with VLCAD deficiency, but its clinical significance could not be ascertained (Andresen 1996, Evans 2016). This variant is reported in ClinVar (Variation ID: 92293). This variant is only observed on one allele in the Genome Aggregation Database (v2.1.1), indicating it is not a common polymorphism. The valine at residue 317 is highly conserved, and computational analyses predict that this variant is deleterious (REVEL: 0.968). However, given the lack of clinical and functional data, the significance of the p.Val317Ala variant is uncertain at this time. References: Adhikari et al. The role of exome sequencing in newborn screening for inborn errors of metabolism. Nat Med. 2020 Sep;26(9):1392-1397. PMID: 32778825. Evans, et al. VLCAD deficiency: Follow-up and outcome of patients diagnosed through newborn screening in Victoria. Mol Genet Metab. 2016 Aug;118(4):282-7. PMID: 27246109.

Revvity Omics, Revvity
Classification: Uncertain significance for Very long chain acyl-CoA dehydrogenase deficiency. Last evaluated: 2025-01-27. Review status: criteria provided, single submitter. Criteria: ACMG Guidelines, 2015. Collection method: clinical testing. Allele origin: germline.

Labcorp Genetics (formerly Invitae), Labcorp
Classification: Uncertain significance for Very long chain acyl-CoA dehydrogenase deficiency. Last evaluated: 2025-01-26. Review status: criteria provided, single submitter. Criteria: Invitae Variant Classification Sherloc (09022015). Collection method: clinical testing. Allele origin: germline.
Comment: This sequence change replaces valine, which is neutral and non-polar, with alanine, which is neutral and non-polar, at codon 317 of the ACADVL protein (p.Val317Ala). This variant is present in population databases (rs398123095, gnomAD 0.0009%). This missense change has been observed in individual(s) with clinical features of very long-chain acyl CoA dehydrogenase deficiency (PMID: 8845838, 32778825; internal data). This variant is also known as p.V277A. ClinVar contains an entry for this variant (Variation ID: 92293). Invitae Evidence Modeling of protein sequence and biophysical properties (such as structural, functional, and spatial information, amino acid conservation, physicochemical variation, residue mobility, and thermodynamic stability) indicates that this missense variant is expected to disrupt ACADVL protein function with a positive predictive value of 80%. In summary, the available evidence is currently insufficient to determine the role of this variant in disease. Therefore, it has been classified as a Variant of Uncertain Significance.

Women's Health and Genetics/Laboratory Corporation of America, LabCorp
Classification: Uncertain significance. Last evaluated: 2023-03-09. Review status: criteria provided, single submitter. Criteria: LabCorp Variant Classification Summary - May 2015. Collection method: clinical testing. Allele origin: germline.
Comment: Variant summary: ACADVL c.950T>C (p.Val317Ala), also referred to as p.V277A in the literature, results in a non-conservative amino acid change in the encoded protein sequence. Five of five in-silico tools predict a damaging effect of the variant on protein function. The variant allele was found at a frequency of 4e-06 in 251278 control chromosomes (gnomAD). The available data on variant occurrences in the general population are insufficient to allow any conclusion about variant significance. c.950T>C has been reported in the literature in individuals affected with Very Long Chain Acyl-CoA Dehydrogenase Deficiency, however in most cases it has been found in cis with either a pathogenic (c.848T>C, p.Val283Ala) or likely pathogenic (c.1097G>A, p.Arg366His) variant, providing supporting evidence for a benign role (e.g. Andersen_1996, Andersen_1999, Evans_2016, Adhikari_2020). Therefore, these reports do not provide unequivocal conclusions about association of the variant with Very Long Chain Acyl-CoA Dehydrogenase Deficiency. To our knowledge, no experimental evidence demonstrating an impact on protein function has been reported. Four submitters have provided clinical-significance assessments for this variant to ClinVar after 2014 and all classified the variant as uncertain significance. Based on the evidence outlined above, the variant was classified as VUS-possibly benign.

Wong Mito Lab, Molecular and Human Genetics, Baylor College of Medicine
Classification: Uncertain significance for Very long chain acyl-CoA dehydrogenase deficiency. Last evaluated: 2019-11-01. Review status: criteria provided, single submitter. Criteria: ACMG Guidelines, 2015. Collection method: clinical testing. Allele origin: germline.
Comment: The NM_000018.3:c.950T>C (NP_000009.1:p.Val317Ala) [GRCH38: NC_000017.11:g.7222738T>C] variant in ACADVL gene is interpretated to be Uncertain Significance based on ACMG guidelines (PMID: 25741868). This variant has been reported. This variant meets the following evidence codes reported in the ACMG guidelines: PP3

Eurofins Ntd Llc (ga)
Classification: Uncertain significance. Last evaluated: 2012-12-18. Review status: criteria provided, single submitter. Criteria: EGL Classification Definitions 2015. Collection method: clinical testing. Allele origin: germline. Observed: 2 variant alleles, 2 heterozygotes.

Natera, Inc.
Classification: Uncertain significance for Very long chain acyl-CoA dehydrogenase deficiency. Last evaluated: 2020-09-16. Review status: no assertion criteria provided. Collection method: clinical testing. Allele origin: germline. Not counted in ClinVar's aggregate classification.

Literature cited by the submitters: PubMed 8845838 (cited by 3 submitters); PubMed 32778825 (cited by Labcorp Genetics (formerly Invitae), Labcorp and Women's Health and Genetics/Laboratory Corporation of America, LabCorp); PubMed 27246109 (cited by Women's Health and Genetics/Laboratory Corporation of America, LabCorp); PubMed 14728674 (cited by Women's Health and Genetics/Laboratory Corporation of America, LabCorp).